The following is an entry in ClinVar:

NM_000414.4(HSD17B4):c.698dup (p.Asn233fs)

Gene: HSD17B4 (hydroxysteroid 17-beta dehydrogenase 4; plus strand). Cytogenetic location: 5q23.1.
Variant type: Duplication.
Coding change: c.698dup on transcript NM_000414.4 (MANE Select); coding-DNA position 698, one base duplicated (A; older notation c.698dupA).
Protein change: p.Asn233fs; shifts the reading frame from asparagine 233.
Molecular consequence: frameshift variant. On other transcripts: non-coding transcript variant (2).
Genome position (GRCh38, 1-based): chr5:119,489,267, A duplicated; the last of 2 consecutive A bases (chr5:119,489,266-119,489,267); duplicating either gives the same sequence. VCF-style (leftmost placement, unchanged base first): chr5-119489265-G-GA. GRCh37 (hg19) VCF-style: chr5-118824960-G-GA.
Other names: c.773dup, p.Asn258fs (NM_001199291.3); c.644dup, p.Asn215fs (NM_001199292.2); c.626dup, p.Asn209fs (NM_001292027.2); c.278dup, p.Asn93fs (NM_001292028.2); c.689dup, p.Asn230fs (NM_001374497.1); c.698dup, p.Asn233fs (NM_001374498.1); c.371dup, p.Asn124fs (NM_001374499.1); c.257dup, p.Asn86fs (NM_001374500.1); and 1 more; short protein forms N209fs, N93fs, N96fs, N230fs, N233fs, N258fs, N124fs, N215fs.
Identifiers: ClinVar variation 1460126 (VCV001460126.9), dbSNP rs2126740316, ClinGen allele CA2573138649.

ClinVar aggregate classification (germline): Pathogenic/Likely pathogenic. Review status: criteria provided, multiple submitters, no conflicts (2 of 4 stars). 2 submissions from 2 submitters: Pathogenic (1); Likely pathogenic (1). Last evaluated 2022-03-08.

Conditions:
Bifunctional peroxisomal enzyme deficiency (DBIF). Also called: DBP DEFICIENCY; PBFE DEFICIENCY; D-bifunctional protein deficiency. Identifiers: Orphanet 300, MedGen C0342870, MONDO:0009855, OMIM 261515. Disease mechanism: loss of function.
Perrault syndrome. Also called: Gonadal dysgenesis with auditory dysfunction, autosomal recessive inheritance. Identifiers: Orphanet 2855, MedGen C0685838, MONDO:0017312.

Submissions (2):

Myriad Genetics, Inc.
Classification: Likely pathogenic for Bifunctional peroxisomal enzyme deficiency. Last evaluated: 2022-03-08. Review status: criteria provided, single submitter. Criteria: Myriad Autosomal Dominant, Autosomal Recessive and X-Linked Classification Criteria (2023). Collection method: clinical testing. Allele origin: unknown.
Comment: NM_000414.3(HSD17B4):c.698dupA(N233Kfs*6) is expected to be pathogenic in the context of HSD17B4-related disorders. This variant is predicted to lead to an abnormal or absent protein product due to the creation of a premature termination codon in HSD17B4, a gene where loss-of-function variants are known to be pathogenic. Please note: this variant was assessed in the context of healthy population screening.

Labcorp Genetics (formerly Invitae), Labcorp
Classification: Pathogenic for Perrault syndrome; Bifunctional peroxisomal enzyme deficiency. Last evaluated: 2021-04-20. Review status: criteria provided, single submitter. Criteria: Invitae Variant Classification Sherloc (09022015). Collection method: clinical testing. Allele origin: germline.
Comment: This sequence change creates a premature translational stop signal (p.Asn233Lysfs*6) in the HSD17B4 gene. It is expected to result in an absent or disrupted protein product. Loss-of-function variants in HSD17B4 are known to be pathogenic (PMID: 11810648, 16385454). For these reasons, this variant has been classified as Pathogenic. This variant has not been reported in the literature in individuals with HSD17B4-related conditions. This variant is not present in population databases (ExAC no frequency).

Literature cited by the submitters: PubMed 11810648 (cited by Labcorp Genetics (formerly Invitae), Labcorp); PubMed 16385454 (cited by Labcorp Genetics (formerly Invitae), Labcorp).